The following is an entry in ClinVar:

ClinVar aggregate classification (germline): Uncertain significance. Review status: criteria provided, multiple submitters, no conflicts (2 of 4 stars). 2 submissions from 2 submitters: Uncertain significance (2). Last evaluated 2025-11-04.

Conditions:
Renal cell carcinoma. Identifiers: Orphanet 217071, MedGen C0007134, MeSH D002292, MONDO:0005086, HP:0005584.
Hereditary cancer-predisposing syndrome. Also called: Tumor predisposition; Hereditary neoplastic syndrome; Neoplastic Syndromes, Hereditary; Hereditary Cancer Syndrome. Identifiers: Orphanet 140162, MedGen C0027672, MeSH D009386, MONDO:0015356.

Submissions (2):

Ambry Genetics
Classification: Uncertain significance for Hereditary cancer-predisposing syndrome. Last evaluated: 2025-11-04. Review status: criteria provided, single submitter. Criteria: Ambry Variant Classification Scheme 2023. Collection method: clinical testing. Allele origin: germline.
Comment: The c.3313+5G>A intronic variant results from a G to A substitution 5 nucleotides after coding exon 14 in the MET gene. This nucleotide position is highly conserved in available vertebrate species. In silico splice site analysis predicts that this alteration will not have any significant effect on splicing. Based on the available evidence, the clinical significance of this variant remains unclear.

Labcorp Genetics (formerly Invitae), Labcorp
Classification: Uncertain significance for Renal cell carcinoma. Last evaluated: 2019-03-07. Review status: criteria provided, single submitter. Criteria: Invitae Variant Classification Sherloc (09022015). Collection method: clinical testing. Allele origin: germline.
Comment: This sequence change falls in intron 15 of the MET gene. It does not directly change the encoded amino acid sequence of the MET protein, but it affects a nucleotide within the consensus splice site of the intron. In summary, the available evidence is currently insufficient to determine the role of this variant in disease. Therefore, it has been classified as a Variant of Uncertain Significance. Nucleotide substitutions within the consensus splice site are a relatively common cause of aberrant splicing (PMID: 17576681, 9536098). Algorithms developed to predict the effect of sequence changes on RNA splicing suggest that this variant may disrupt the consensus splice site, but this prediction has not been confirmed by published transcriptional studies. This variant has not been reported in the literature in individuals with MET-related conditions. This variant is not present in population databases (ExAC no frequency).

Literature cited by the submitters: PubMed 17576681 (cited by Labcorp Genetics (formerly Invitae), Labcorp); PubMed 9536098 (cited by Labcorp Genetics (formerly Invitae), Labcorp).

NM_000245.4(MET):c.3259+5G>A

Gene: MET (MET proto-oncogene, receptor tyrosine kinase; plus strand). Cytogenetic location: 7q31.2.
Variant type: single nucleotide variant.
Coding change: c.3259+5G>A on transcript NM_000245.4 (MANE Select); 5 bases into the intron after coding-DNA position 3259, G replaced by A.
Molecular consequence: intron variant.
Genome position (GRCh38, 1-based): chr7:116,775,116, G>A. VCF-style: chr7-116775116-G-A. GRCh37 (hg19) VCF-style: chr7-116415170-G-A.
Other names: c.3313+5G>A (NM_001127500.3); c.1969+5G>A (NM_001324402.2).
Identifiers: ClinVar variation 856061 (VCV000856061.8), dbSNP rs1794955894, ClinGen allele CA916082310.